The following is an entry in ClinVar:

ClinVar aggregate classification (germline): Conflicting classifications of pathogenicity. Review status: criteria provided, conflicting classifications (1 of 4 stars). 3 submissions from 3 submitters: Pathogenic (1); Uncertain significance (1). 1 of the submissions does not count toward it.

Conditions:
Meckel-Gruber syndrome. Also called: GRUBER SYNDROME; DYSENCEPHALIA SPLANCHNOCYSTICA; Dysencephalia splachnocystica. Identifiers: Orphanet 564, MedGen C0265215, MONDO:0018921.
Meckel syndrome 14 (MKS14). Identifiers: MedGen C5676989, MONDO:0030819, OMIM 619879.

Allele frequency attached by ClinVar (database versions not stated): gnomAD exomes 0.00001; TOPMed 0.00001; ExAC 0.00002.

Submissions (3):

Juno Genomics, Hangzhou Juno Genomics, Inc
Classification: Uncertain significance for Meckel syndrome 14. Review status: criteria provided, single submitter. Criteria: ACMG Guidelines, 2015. Collection method: clinical testing. Allele origin: germline.
Comment: Absent from controls (or at extremely low frequency if recessive) in Genome Aggregation Database.;For recessive disorders, detected in trans with a pathogenic variant.;Patient's phenotype or family history is highly specific for a disease with a single genetic etiology.

Kasturba Medical College, Manipal, Kasturba Medical College, Manipal, Manipal Academy of Higher Education, Manipal, India
Classification: Pathogenic for Meckel-Gruber syndrome. Review status: criteria provided, single submitter. Criteria: ACMG Guidelines, 2015. Collection method: research. Allele origin: inherited. Inheritance: Autosomal recessive inheritance. Affected: yes. Observed: 1 homozygote.

OMIM
Classification: Pathogenic for MECKEL SYNDROME 14. Last evaluated: 2022-05-13. Review status: no assertion criteria provided. Collection method: literature only. Allele origin: germline. Not counted in ClinVar's aggregate classification.

Literature cited by the submitters: PubMed 31411728 (cited by OMIM).

NM_024715.4(TXNDC15):c.844C>T (p.Arg282Ter)

Gene: TXNDC15 (thioredoxin domain containing 15; plus strand). Cytogenetic location: 5q31.1.
Variant type: single nucleotide variant.
Coding change: c.844C>T on transcript NM_024715.4 (MANE Select); coding-DNA position 844, C replaced by T.
Protein change: p.Arg282Ter; replaces arginine 282 with a stop codon.
Molecular consequence: nonsense.
Genome position (GRCh38, 1-based): chr5:134,896,382, C>T. VCF-style: chr5-134896382-C-T. GRCh37 (hg19) VCF-style: chr5-134232072-C-T.
Other names: c.640C>T, p.Arg214Ter (NM_001350735.2); short protein forms R214*, R282*.
Identifiers: ClinVar variation 684428 (VCV000684428.6), dbSNP rs768237094, ClinGen allele CA3416945.